The following is an entry in ClinVar:

NM_001009944.3(PKD1):c.12583dup (p.Asp4195fs)

Gene: PKD1 (polycystin 1, transient receptor potential channel interacting; minus strand). Cytogenetic location: 16p13.3.
Variant type: Duplication.
Coding change: c.12583dup on transcript NM_001009944.3 (MANE Select); coding-DNA position 12583, one base duplicated (G; older notation c.12583dupG).
Protein change: p.Asp4195fs; shifts the reading frame from aspartic acid 4195.
Molecular consequence: frameshift variant.
Genome position (GRCh38, 1-based): chr16:2,090,056, C duplicated on the plus strand (G on the coding strand, the reverse complement: PKD1 is on the minus strand); the first of 2 consecutive C bases (chr16:2,090,056-2,090,057); duplicating either gives the same sequence. VCF-style (leftmost placement, unchanged base first): chr16-2090055-T-TC. GRCh37 (hg19) VCF-style: chr16-2140056-T-TC.
Other names: c.12580dup, p.Asp4194fs (NM_000296.4); short protein forms D4194fs, D4195fs.
Identifiers: ClinVar variation 4072209 (VCV004072209.1).

ClinVar aggregate classification (germline): Pathogenic (1 of 4 stars; one submission).

Conditions:
Polycystic kidney disease, adult type (PKD1). Also called: Polycystic Kidney, Autosomal Dominant; Polycystic Kidney Disease 1, Autosomal Dominant; Polycystic kidney disease 1; Polycystic kidney disease 1, severe; POLYCYSTIC KIDNEY DISEASE 1 WITH OR WITHOUT POLYCYSTIC LIVER DISEASE; POLYCYSTIC KIDNEY DISEASE, ADULT, TYPE I. Identifiers: MedGen C3149841, MONDO:0008263, OMIM 173900.

Submission:

MVZ Medizinische Genetik Mainz
Classification: Pathogenic for Polycystic kidney disease, adult type. Last evaluated: 2025-06-25. Review status: criteria provided, single submitter. Criteria: UK Practice Guidelines For Variant Classification V4 01 2020. Collection method: clinical testing. Allele origin: germline. Inheritance: Autosomal dominant inheritance. Affected: yes. Observed: 1 variant allele.
Comment: ACMG Criteria: PVS1,PM2_SUP,PP4